The following is an entry in ClinVar:

NM_020987.5(ANK3):c.5582C>T (p.Thr1861Met)

Gene: ANK3 (ankyrin 3; minus strand). Cytogenetic location: 10q21.2.
Variant type: single nucleotide variant.
Coding change: c.5582C>T on transcript NM_020987.5 (MANE Select); coding-DNA position 5582, C replaced by T.
Protein change: p.Thr1861Met; replaces threonine 1861 with methionine.
Molecular consequence: missense variant. On other transcripts: intron variant (4).
Genome position (GRCh38, 1-based): chr10:60,075,299, G>A on the plus strand (C>T on the coding strand, the complement: ANK3 is on the minus strand). VCF-style: chr10-60075299-G-A. GRCh37 (hg19) VCF-style: chr10-61835057-G-A.
Other names: p.Thr1861Met; c.4387+5238C>T (NM_001204403.2); c.4408+5238C>T (NM_001204404.2); c.4405+5238C>T (NM_001320874.2); c.1807+5238C>T (NM_001149.4); short protein forms T1861M.
Identifiers: ClinVar variation 434168 (VCV000434168.52), dbSNP rs117475706, ClinGen allele CA5511993.

ClinVar aggregate classification (germline): Conflicting classifications of pathogenicity. Review status: criteria provided, conflicting classifications (1 of 4 stars). 9 submissions from 9 submitters: Likely pathogenic (1); Uncertain significance (3); Likely benign (3). 2 of the submissions do not count toward it. Last evaluated 2026-09-01.

Conditions:
ANK3-related disorder. Also called: ANK3-related condition.
Intellectual developmental disorder, autosomal recessive 37. Also called: Intellectual disability-hypotonia-spasticity-sleep disorder syndrome. Identifiers: Orphanet 356996, MedGen C3809672, MONDO:0014210, OMIM 615493.

Allele frequency attached by ClinVar (database versions not stated): gnomAD 0.00287 and 0.00292; ESP Exome Variant Server 0.00369; 1000 Genomes Project 0.00180; 1000 Genomes Project 30x 0.00141; gnomAD exomes 0.00259 and 0.00451; ExAC 0.00268; TOPMed 0.00285.
gnomAD v4.1: 6,963 of 1,614,154 alleles (0.43%); highest among the groups gnomAD compares: Non-Finnish European, 0.54%; 17 homozygotes.

Submissions (9):

CeGaT Center for Human Genetics Tuebingen
Classification: Likely benign. Last evaluated: 2026-09-01. Review status: criteria provided, single submitter. Criteria: CeGaT Center For Human Genetics Tuebingen Variant Classification Criteria Version 2. Collection method: clinical testing. Allele origin: germline. Affected: yes. Observed: 22 variant alleles.
Comment: ANK3: BP4

Women's Health and Genetics/Laboratory Corporation of America, LabCorp
Classification: Likely benign. Last evaluated: 2025-12-04. Review status: criteria provided, single submitter. Criteria: LabCorp Variant Classification Summary - May 2015. Collection method: clinical testing. Allele origin: germline.
Comment: Variant summary: ANK3 c.5582C>T (p.Thr1861Met) results in a non-conservative amino acid change in the encoded protein sequence. Algorithms developed to predict the effect of missense changes on protein structure and function are either unavailable or do not agree on the potential impact of this missense change. The variant allele was found at a frequency of 0.0043 in 1614154 control chromosomes, predominantly at a frequency of 0.0054 within the Non-Finnish European subpopulation in the gnomAD database, including 15 homozygotes. The observed variant frequency within Non-Finnish European control individuals in the gnomAD database exceeds the estimated maximal expected allele frequency for disease-causing variants in ANK3. c.5582C>T has been observed in the compound heterozygous state in individuals affected with multiple neurodevelopment disorders including developmental delay, cognitive impairment, language disorders, and seizures (e.g. Yang_2019, Furia_2024). These reports do not provide unequivocal conclusions about association of the variant with Mental Retardation, Autosomal Recessive 37. At least one publication reports experimental evidence evaluating an impact on protein function and found that the variant reduces the ability of the protein to transition to an open conformation, preventing the recruitment of 4-spectrin (Yang_2019); however, this finding does not allow convincing conclusions about the variant effect. The following publications have been ascertained in the context of this evaluation (PMID: 38988293, 31451636). ClinVar contains an entry for this variant (Variation ID: 434168). Based on the evidence outlined above, the variant was classified as likely benign.

Labcorp Genetics (formerly Invitae), Labcorp
Classification: Likely benign. Last evaluated: 2025-11-19. Review status: criteria provided, single submitter. Criteria: Invitae Variant Classification Sherloc (09022015). Collection method: clinical testing. Allele origin: germline.

Undiagnosed Diseases Network, NIH
Classification: Likely pathogenic for Intellectual developmental disorder, autosomal recessive 37. Last evaluated: 2025-02-19. Review status: criteria provided, single submitter. Criteria: ACMG Guidelines, 2015. Collection method: clinical testing. Allele origin: maternal. Inheritance: Autosomal recessive inheritance. Affected: yes. Observed: 1 variant allele, 1 compound heterozygote. Study: Undiagnosed Diseases Network (NIH), UDN.
Comment: Patient's phenotype or family history is highly specific for a disease with a single genetic etiology (PP4), well-established functional studies show damaging effect on the gene or gene product (PS3, see PMID:31451636). Detected in trans with a pathogenic variant, compound heterozygous state in affected case (PM3).

Department of Pathology and Laboratory Medicine, Sinai Health System
Classification: Uncertain significance for Intellectual developmental disorder, autosomal recessive 37. Last evaluated: 2023-08-22. Review status: criteria provided, single submitter. Criteria: ACMG Guidelines, 2015. Collection method: research. Allele origin: germline.

Fulgent Genetics
Classification: Uncertain significance for Intellectual developmental disorder, autosomal recessive 37. Last evaluated: 2018-10-31. Review status: criteria provided, single submitter. Criteria: ACMG Guidelines, 2015. Collection method: clinical testing. Allele origin: unknown.

Genetic Services Laboratory, University of Chicago
Classification: Uncertain significance. Last evaluated: 2016-09-24. Review status: criteria provided, single submitter. Criteria: ACMG Guidelines, 2015. Collection method: clinical testing. Allele origin: germline. Affected: no.

Zotz-Klimas Genetics Lab, MVZ Zotz Klimas
Classification: Uncertain significance for Intellectual developmental disorder, autosomal recessive 37. Last evaluated: 2023-10-09. Review status: no assertion criteria provided. Collection method: clinical testing. Allele origin: germline. Affected: yes. Not counted in ClinVar's aggregate classification.

PreventionGenetics, part of Exact Sciences
Classification: Likely benign for ANK3-related condition. Last evaluated: 2022-05-05. Review status: no assertion criteria provided. Collection method: clinical testing. Allele origin: germline. Not counted in ClinVar's aggregate classification.
Comment: This variant is classified as likely benign based on ACMG/AMP sequence variant interpretation guidelines (Richards et al. 2015 PMID: 25741868, with internal and published modifications).

Literature cited by the submitters: PubMed 38988293 (cited by Women's Health and Genetics/Laboratory Corporation of America, LabCorp); PubMed 31451636 (cited by Women's Health and Genetics/Laboratory Corporation of America, LabCorp and Undiagnosed Diseases Network, NIH).